The following is an entry in ClinVar:

ClinVar aggregate classification (germline): Likely pathogenic (1 of 4 stars; one submission).

Conditions:
Marfan syndrome (MFS). Also called: MARFAN SYNDROME, TYPE I; Marfan syndrome type 1; Marfan's syndrome; Marfan syndrome, classic; FBN1-Related Marfan Syndrome. Identifiers: Orphanet 284963, Orphanet 558, MedGen C0024796, MONDO:0007947, OMIM 154700.
Familial thoracic aortic aneurysm and aortic dissection (TAAD). Also called: Thoracic aortic aneurysms and dissections. Identifiers: Orphanet 91387, MedGen C4707243, MONDO:0019625.

Submission:

Labcorp Genetics (formerly Invitae), Labcorp
Classification: Likely pathogenic for Marfan syndrome; Familial thoracic aortic aneurysm and aortic dissection. Last evaluated: 2024-02-18. Review status: criteria provided, single submitter. Criteria: Invitae Variant Classification Sherloc (09022015). Collection method: clinical testing. Allele origin: germline.
Comment: This sequence change replaces cysteine, which is neutral and slightly polar, with serine, which is neutral and polar, at codon 85 of the FBN1 protein (p.Cys85Ser). This variant is not present in population databases (gnomAD no frequency). This missense change has been observed in individual(s) with clinical features of Marfan syndrome (Invitae). Advanced modeling of protein sequence and biophysical properties (such as structural, functional, and spatial information, amino acid conservation, physicochemical variation, residue mobility, and thermodynamic stability) performed at Invitae indicates that this missense variant is expected to disrupt FBN1 protein function with a positive predictive value of 95%. This variant affects a cysteine residue in the EGF-like, TGFBP or hybrid motif domains of FBN1. Cysteine residues are believed to be involved in intramolecular disulfide bridges and have been shown to be important for FBN1 protein structure (PMID: 16905551, 19349279). In addition, missense substitutions affecting cysteine residues within these domains are significantly overrepresented among patients with Marfan syndrome (PMID: 16571647, 17701892). This variant disrupts the p.Cys85 amino acid residue in FBN1. Other variant(s) that disrupt this residue have been observed in individuals with FBN1-related conditions (PMID: 27724990; Invitae), which suggests that this may be a clinically significant amino acid residue. In summary, the currently available evidence indicates that the variant is pathogenic, but additional data are needed to prove that conclusively. Therefore, this variant has been classified as Likely Pathogenic.

Literature cited by the submitters: PubMed 16905551; PubMed 19349279; PubMed 16571647; PubMed 17701892; PubMed 27724990.

NM_000138.5(FBN1):c.253T>A (p.Cys85Ser)

Gene: FBN1 (fibrillin 1; minus strand). Cytogenetic location: 15q21.1.
Variant type: single nucleotide variant.
Coding change: c.253T>A on transcript NM_000138.5 (MANE Select); coding-DNA position 253, T replaced by A.
Protein change: p.Cys85Ser; replaces cysteine 85 with serine.
Molecular consequence: missense variant.
Genome position (GRCh38, 1-based): chr15:48,610,821, A>T on the plus strand (T>A on the coding strand, the complement: FBN1 is on the minus strand). VCF-style: chr15-48610821-A-T. GRCh37 (hg19) VCF-style: chr15-48903018-A-T.
Other names: c.253T>A, p.Cys85Ser (NM_001406716.1, NM_001406717.1); short protein forms C85S.
Identifiers: ClinVar variation 3754094 (VCV003754094.2).